The following is an entry in ClinVar:

ClinVar aggregate classification (germline): Uncertain significance. Review status: criteria provided, multiple submitters, no conflicts (2 of 4 stars). 5 submissions from 5 submitters: Uncertain significance (5). Last evaluated 2026-01-31.

Conditions:
Neuroblastoma, susceptibility to, 3. Also called: ALK-Related Neuroblastic Tumor Susceptibility. Identifiers: Orphanet 635, MedGen C2751681, MONDO:0013083, OMIM 613014.
Hereditary cancer-predisposing syndrome. Also called: Neoplastic Syndromes, Hereditary; Hereditary Cancer Syndrome; Hereditary neoplastic syndrome; Tumor predisposition. Identifiers: Orphanet 140162, MedGen C0027672, MeSH D009386, MONDO:0015356.

Allele frequency attached by ClinVar (database versions not stated): gnomAD 0.00001; gnomAD exomes 0.00001.
gnomAD v4.1: 12 of 1,614,024 alleles (0.00074%); highest among the groups gnomAD compares: South Asian, 0.0077%; no homozygotes.

Submissions (5):

Labcorp Genetics (formerly Invitae), Labcorp
Classification: Uncertain significance for Neuroblastoma, susceptibility to, 3. Last evaluated: 2026-01-31. Review status: criteria provided, single submitter. Criteria: Invitae Variant Classification Sherloc (09022015). Collection method: clinical testing. Allele origin: germline.
Comment: This sequence change replaces proline, which is neutral and non-polar, with threonine, which is neutral and polar, at codon 650 of the ALK protein (p.Pro650Thr). This variant is present in population databases (no rsID available, gnomAD 0.003%). This missense change has been observed in individual(s) with breast cancer (PMID: 35957908). ClinVar contains an entry for this variant (Variation ID: 640930). An algorithm developed to predict the effect of missense changes on protein structure and function (PolyPhen-2) suggests that this variant is likely to be disruptive. In summary, the available evidence is currently insufficient to determine the role of this variant in disease. Therefore, it has been classified as a Variant of Uncertain Significance.

Ambry Genetics
Classification: Uncertain significance for Hereditary cancer-predisposing syndrome. Last evaluated: 2024-12-09. Review status: criteria provided, single submitter. Criteria: Ambry Variant Classification Scheme 2023. Collection method: clinical testing. Allele origin: germline.
Comment: The p.P650T variant (also known as c.1948C>A), located in coding exon 11 of the ALK gene, results from a C to A substitution at nucleotide position 1948. The proline at codon 650 is replaced by threonine, an amino acid with highly similar properties. This amino acid position is highly conserved in available vertebrate species. In addition, the in silico prediction for this alteration is inconclusive. Based on the available evidence, the clinical significance of this variant remains unclear.

Fulgent Genetics
Classification: Uncertain significance for Neuroblastoma, susceptibility to, 3. Last evaluated: 2024-04-08. Review status: criteria provided, single submitter. Criteria: ACMG Guidelines, 2015. Collection method: clinical testing. Allele origin: germline.

Baylor Genetics
Classification: Uncertain significance for Neuroblastoma, susceptibility to, 3. Last evaluated: 2023-07-06. Review status: criteria provided, single submitter. Criteria: ACMG Guidelines, 2015. Collection method: clinical testing. Allele origin: unknown.

Sema4
Classification: Uncertain significance for Hereditary cancer-predisposing syndrome. Last evaluated: 2021-12-23. Review status: criteria provided, single submitter. Criteria: Sema4 Curation Guidelines. Collection method: curation. Allele origin: germline.
Comment: The ALK c.1948C>A (p.P650T) variant has not been reported in the literature to our knowledge. It was observed in 2/30616 chromosomes of the South Asian subpopulation in the large and broad cohorts of the Genome Aggregation Database (PMID: 32461654). This variant has been reported in ClinVar (Variation ID: 640930). Functional studies have not been performed, and in silico predictions of the variant's effect on protein function are inconclusive. The evidence is insufficient to meet ACMG/AMP criteria for classifying the variant as benign or pathogenic. Thus, the clinical significance of this variant is currently uncertain.

Literature cited by the submitters: PubMed 35957908 (cited by Labcorp Genetics (formerly Invitae), Labcorp).

NM_004304.5(ALK):c.1948C>A (p.Pro650Thr)

Gene: ALK (ALK receptor tyrosine kinase; minus strand). Cytogenetic location: 2p23.2.
Variant type: single nucleotide variant.
Coding change: c.1948C>A on transcript NM_004304.5 (MANE Select); coding-DNA position 1948, C replaced by A.
Protein change: p.Pro650Thr; replaces proline 650 with threonine.
Molecular consequence: missense variant.
Genome position (GRCh38, 1-based): chr2:29,275,192, G>T on the plus strand (C>A on the coding strand, the complement: ALK is on the minus strand). VCF-style: chr2-29275192-G-T. GRCh37 (hg19) VCF-style: chr2-29498058-G-T.
Other names: short protein forms P650T.
Identifiers: ClinVar variation 640930 (VCV000640930.13), dbSNP rs1178904580, ClinGen allele CA346479759.